The following is an entry in ClinVar:

ClinVar aggregate classification (germline): Likely benign. Review status: criteria provided, multiple submitters, no conflicts (2 of 4 stars). 2 submissions from 2 submitters: Likely benign (2). Last evaluated 2025-04-23.

Conditions:
Hypertrophic cardiomyopathy. Also called: HYPERTROPHIC MYOCARDIOPATHY. Identifiers: Orphanet 217569, MedGen C0007194, MeSH D002312, MONDO:0005045, HP:0001639.
Lethal congenital glycogen storage disease of heart. Also called: PHOSPHORYLASE KINASE DEFICIENCY OF HEART; GLYCOGEN STORAGE DISEASE OF HEART. Identifiers: Orphanet 439854, MedGen C1849813, MONDO:0009867, OMIM 261740.

Allele frequency attached by ClinVar (database versions not stated): gnomAD exomes below 0.00001; gnomAD 0.00001; TOPMed 0.00001.
gnomAD v4.1: 4 of 1,607,290 alleles (0.00025%); highest among the groups gnomAD compares: Admixed American, 0.0033%; no homozygotes.

Submissions (2):

Labcorp Genetics (formerly Invitae), Labcorp
Classification: Likely benign for Lethal congenital glycogen storage disease of heart. Last evaluated: 2025-04-23. Review status: criteria provided, single submitter. Criteria: Invitae Variant Classification Sherloc (09022015). Collection method: clinical testing. Allele origin: germline.

All of Us Research Program, National Institutes of Health
Classification: Likely benign for Hypertrophic cardiomyopathy. Last evaluated: 2023-08-15. Review status: criteria provided, single submitter. Criteria: ACMG Guidelines, 2015. Collection method: clinical testing. Allele origin: germline. Inheritance: Autosomal dominant inheritance. Observed: 1 variant allele, 1 heterozygote.
Comment: This study involves interpretation of variants in research participants for the purpose of population health screening. Participant phenotype was not available at the time of variant classification. Additional details can be found in publication PMID: 35346344, PMCID: PMC8962531

NM_016203.4(PRKAG2):c.99G>A (p.Leu33=)

Gene: PRKAG2 (protein kinase AMP-activated non-catalytic subunit gamma 2; minus strand). Cytogenetic location: 7q36.1.
Variant type: single nucleotide variant.
Coding change: c.99G>A on transcript NM_016203.4 (MANE Select); coding-DNA position 99, G replaced by A.
Protein change: p.Leu33=; no amino-acid change (leucine 33 retained).
Molecular consequence: synonymous variant.
Genome position (GRCh38, 1-based): chr7:151,876,522, C>T on the plus strand (G>A on the coding strand, the complement: PRKAG2 is on the minus strand). VCF-style: chr7-151876522-C-T. GRCh37 (hg19) VCF-style: chr7-151573607-C-T.
Identifiers: ClinVar variation 763451 (VCV000763451.9), dbSNP rs1039938289, ClinGen allele CA169183620.